The following is an entry in ClinVar:

ClinVar aggregate classification (germline): Uncertain significance (1 of 4 stars; one submission).

Submission:

Labcorp Genetics (formerly Invitae), Labcorp
Classification: Uncertain significance. Last evaluated: 2024-03-16. Review status: criteria provided, single submitter. Criteria: Invitae Variant Classification Sherloc (09022015). Collection method: clinical testing. Allele origin: germline.
Comment: This sequence change results in a frameshift in the SETD5 gene (p.Leu1386Cysfs*118). While this is not anticipated to result in nonsense mediated decay, it is expected to disrupt the last 57 amino acid(s) of the SETD5 protein and extend the protein by 60 additional amino acid residues. This variant is not present in population databases (gnomAD no frequency). This variant has not been reported in the literature in individuals affected with SETD5-related conditions. Experimental studies and prediction algorithms are not available or were not evaluated, and the functional significance of this variant is currently unknown. In summary, the available evidence is currently insufficient to determine the role of this variant in disease. Therefore, it has been classified as a Variant of Uncertain Significance.

NM_001080517.3(SETD5):c.4157_4172del (p.Leu1386fs)

Gene: SETD5 (SET domain containing 5; plus strand). Cytogenetic location: 3p25.3.
Variant type: Deletion.
Coding change: c.4157_4172del on transcript NM_001080517.3 (MANE Select); coding-DNA positions 4157 to 4172, 16 bases deleted (TACGGACTATCAGTCT).
Protein change: p.Leu1386fs; shifts the reading frame from leucine 1386.
Molecular consequence: frameshift variant.
Genome position (GRCh38, 1-based): chr3:9,475,919-9,475,934, TACGGACTATCAGTCT deleted; deleting any 16 consecutive bases within chr3:9,475,917-9,475,934 gives the same sequence; the c. name uses the placement nearest the transcript's 3' end. VCF-style (leftmost placement, unchanged base first): chr3-9475916-ACTTACGGACTATCAGT-A. GRCh37 (hg19) VCF-style: chr3-9517600-ACTTACGGACTATCAGT-A.
Other names: c.3863_3878del, p.Leu1288fs (NM_001292043.2, NM_001349451.2); short protein forms L1288fs, L1386fs.
Identifiers: ClinVar variation 3646159 (VCV003646159.2).